The following is an entry in ClinVar:

ClinVar aggregate classification (germline): Uncertain significance (1 of 4 stars; one submission).

Conditions:
Hereditary diffuse gastric adenocarcinoma (HDGC). Also called: DIFFUSE GASTRIC AND LOBULAR BREAST CANCER SYNDROME. Identifiers: Orphanet 26106, MedGen C1708349, MONDO:0007648, OMIM 137215.

Submission:

Labcorp Genetics (formerly Invitae), Labcorp
Classification: Uncertain significance for Hereditary diffuse gastric adenocarcinoma. Last evaluated: 2019-10-15. Review status: criteria provided, single submitter. Criteria: Invitae Variant Classification Sherloc (09022015). Collection method: clinical testing. Allele origin: germline.
Comment: In summary, the available evidence is currently insufficient to determine the role of this variant in disease. Therefore, it has been classified as a Variant of Uncertain Significance. Algorithms developed to predict the effect of missense changes on protein structure and function are either unavailable or do not agree on the potential impact of this missense change (SIFT: "Deleterious"; PolyPhen-2: "Probably Damaging"; Align-GVGD: "Class C15"). This variant has not been reported in the literature in individuals with CDH1-related conditions. This variant is not present in population databases (ExAC no frequency). This sequence change replaces asparagine with aspartic acid at codon 297 of the CDH1 protein (p.Asn297Asp). The asparagine residue is highly conserved and there is a small physicochemical difference between asparagine and aspartic acid.

NM_004360.5(CDH1):c.889A>G (p.Asn297Asp)

Gene: CDH1 (cadherin 1; plus strand). Cytogenetic location: 16q22.1.
Variant type: single nucleotide variant.
Coding change: c.889A>G on transcript NM_004360.5 (MANE Select); coding-DNA position 889, A replaced by G.
Protein change: p.Asn297Asp; replaces asparagine 297 with aspartic acid.
Molecular consequence: missense variant. On other transcripts: 5 prime UTR variant (2).
Genome position (GRCh38, 1-based): chr16:68,811,740, A>G. VCF-style: chr16-68811740-A-G. GRCh37 (hg19) VCF-style: chr16-68845643-A-G.
Other names: c.889A>G, p.Asn297Asp (NM_001317184.2); c.-727A>G (NM_001317185.2); c.-931A>G (NM_001317186.2); short protein forms N297D.
Identifiers: ClinVar variation 964173 (VCV000964173.10), dbSNP rs1960837220, ClinGen allele CA396459655.
Genomic context (GRCh38, chr16:68,811,740, plus strand): 5'-CCAGGAACCTCTGTGATGGAGGTCACAGCCACAGACGCGGACGATGATGTGAACACCTAC[A>G]ATGCCGCCATCGCTTACACCATCCTCAGCCAAGATCCTGAGCTCCCTGACAAAAATATGT-3'
Protein context (NP_004351.1, residues 287-307): TDADDDVNTY[Asn297Asp]AAIAYTILSQ